The following is an entry in ClinVar:

NM_032608.7(MYO18B):c.1690C>T (p.Arg564Trp)

Gene: MYO18B (myosin XVIIIB; plus strand). Cytogenetic location: 22q12.1.
Variant type: single nucleotide variant.
Coding change: c.1690C>T on transcript NM_032608.7 (MANE Select); coding-DNA position 1690, C replaced by T.
Protein change: p.Arg564Trp; replaces arginine 564 with tryptophan.
Molecular consequence: missense variant.
Genome position (GRCh38, 1-based): chr22:25,770,982, C>T. VCF-style: chr22-25770982-C-T. GRCh37 (hg19) VCF-style: chr22-26166949-C-T.
Other names: c.1690C>T, p.Arg564Trp (NM_001318245.2); c.1690C>T (NM_032608.5); short protein forms R564W.
Identifiers: ClinVar variation 1986333 (VCV001986333.2), dbSNP rs369050444, ClinGen allele CA10159911.

ClinVar aggregate classification (germline): Uncertain significance. Review status: criteria provided, multiple submitters, no conflicts (2 of 4 stars). 2 submissions from 2 submitters: Uncertain significance (2). Last evaluated 2025-05-06.

Conditions:
Inborn genetic diseases. Identifiers: MedGen C0950123, MeSH D030342.

Allele frequency attached by ClinVar (database versions not stated): ESP Exome Variant Server 0.00008; gnomAD 0.00005; TOPMed 0.00004.
gnomAD v4.1: 26 of 1,550,260 alleles (0.0017%); highest among the groups gnomAD compares: African/African-American, 0.0082%; no homozygotes.

Submissions (2):

Ambry Genetics
Classification: Uncertain significance for Inborn genetic diseases. Last evaluated: 2025-05-06. Review status: criteria provided, single submitter. Criteria: Ambry Variant Classification Scheme 2023. Collection method: clinical testing. Allele origin: germline.

Labcorp Genetics (formerly Invitae), Labcorp
Classification: Uncertain significance. Last evaluated: 2022-07-02. Review status: criteria provided, single submitter. Criteria: Invitae Variant Classification Sherloc (09022015). Collection method: clinical testing. Allele origin: germline.
Comment: This sequence change replaces arginine, which is basic and polar, with tryptophan, which is neutral and slightly polar, at codon 564 of the MYO18B protein (p.Arg564Trp). This variant is present in population databases (rs369050444, gnomAD 0.002%). This variant has not been reported in the literature in individuals affected with MYO18B-related conditions. Algorithms developed to predict the effect of missense changes on protein structure and function are either unavailable or do not agree on the potential impact of this missense change (SIFT: "Not Available"; PolyPhen-2: "Benign"; Align-GVGD: "Not Available"). In summary, the available evidence is currently insufficient to determine the role of this variant in disease. Therefore, it has been classified as a Variant of Uncertain Significance.